The following is an entry in ClinVar:

NM_000548.5(TSC2):c.3038A>G (p.Asp1013Gly)

Gene: TSC2 (TSC complex subunit 2; plus strand). Cytogenetic location: 16p13.3.
Variant type: single nucleotide variant.
Coding change: c.3038A>G on transcript NM_000548.5 (MANE Select); coding-DNA position 3038, A replaced by G.
Protein change: p.Asp1013Gly; replaces aspartic acid 1013 with glycine.
Molecular consequence: missense variant.
Genome position (GRCh38, 1-based): chr16:2,079,103, A>G. VCF-style: chr16-2079103-A-G. GRCh37 (hg19) VCF-style: chr16-2129104-A-G.
Other names: c.2906A>G, p.Asp969Gly (NM_001077183.3, NM_001370404.1); c.3038A>G, p.Asp1013Gly (NM_001114382.3); c.2798A>G, p.Asp933Gly (NM_001318827.2); c.2762A>G, p.Asp921Gly (NM_001318829.2); c.2306A>G, p.Asp769Gly (NM_001318831.2); c.2939A>G, p.Asp980Gly (NM_001318832.2); c.2909A>G, p.Asp970Gly (NM_001363528.2, NM_001370405.1, NM_021055.3); short protein forms D1013G, D933G, D969G, D970G, D769G, D921G, D980G.
Identifiers: ClinVar variation 406089 (VCV000406089.18), dbSNP rs1060500961, ClinGen allele CA16615087.

ClinVar aggregate classification (germline): Conflicting classifications of pathogenicity. Review status: criteria provided, conflicting classifications (1 of 4 stars). 5 submissions from 4 submitters: Uncertain significance (4); Benign (1). Last evaluated 2025-06-17.

Conditions:
Hereditary cancer-predisposing syndrome. Also called: Tumor predisposition; Neoplastic Syndromes, Hereditary; Hereditary Cancer Syndrome; Hereditary neoplastic syndrome. Identifiers: Orphanet 140162, MedGen C0027672, MeSH D009386, MONDO:0015356.
Tuberous sclerosis syndrome (TSC). Also called: Tuberous Sclerosis Complex; Tuberous sclerosis. Identifiers: Orphanet 805, MedGen C0041341, MONDO:0001734.
Tuberous sclerosis 2 (TSC2). Identifiers: Orphanet 805, MedGen C1860707, MONDO:0013199, OMIM 613254.

Allele frequency attached by ClinVar (database versions not stated): gnomAD exomes below 0.00001 and 0.00001.
gnomAD v4.1: 11 of 1,613,008 alleles (0.00068%); highest among the groups gnomAD compares: South Asian, 0.0088%; no homozygotes.

Submissions (5):

St. Jude Molecular Pathology, St. Jude Children's Research Hospital
Classification: Uncertain significance for Tuberous sclerosis 2. Last evaluated: 2025-06-17. Review status: criteria provided, single submitter. Criteria: St. Jude Assertion Criteria 2020. Collection method: clinical testing. Allele origin: germline.
Comment: The TSC2 c.3038A>G p.(Asp1013Gly) missense change has a maximum subpopulation frequency of 0.003% in gnomAD v2.1.1. The in silico tool REVEL predicts a deleterious effect on protein function, but to our knowledge this prediction has not been confirmed by functional studies. To our knowledge, this variant has not been reported in individuals with tuberous sclerosis complex. In summary, the evidence currently available is insufficient to determine the clinical significance of this variant. It has therefore been classified as of uncertain significance.

Labcorp Genetics (formerly Invitae), Labcorp
Classification: Benign for Tuberous sclerosis 2. Last evaluated: 2025-04-02. Review status: criteria provided, single submitter. Criteria: Invitae Variant Classification Sherloc (09022015). Collection method: clinical testing. Allele origin: germline.

Ambry Genetics
Classification: Uncertain significance for Hereditary cancer-predisposing syndrome. Last evaluated: 2025-01-21. Review status: criteria provided, single submitter. Criteria: Ambry Variant Classification Scheme 2023. Collection method: clinical testing. Allele origin: germline.
Comment: The p.D1013G variant (also known as c.3038A>G), located in coding exon 26 of the TSC2 gene, results from an A to G substitution at nucleotide position 3038. The aspartic acid at codon 1013 is replaced by glycine, an amino acid with similar properties. This amino acid position is well conserved in available vertebrate species. In addition, this alteration is predicted to be deleterious by in silico analysis. Based on the available evidence, the clinical significance of this variant remains unclear.

Genome-Nilou Lab
Classification: Uncertain significance for Tuberous sclerosis 2. Last evaluated: 2021-11-07. Review status: criteria provided, single submitter. Criteria: ACMG Guidelines, 2015. Collection method: clinical testing. Allele origin: germline. Affected: no.

St. Jude Molecular Pathology, St. Jude Children's Research Hospital
Classification: Uncertain significance for Tuberous sclerosis syndrome. Last evaluated: 2021-08-03. Review status: criteria provided, single submitter. Criteria: St. Jude Assertion Criteria 2020. Collection method: clinical testing. Allele origin: germline.